The following is an entry in ClinVar:

ClinVar aggregate classification (germline): Uncertain significance. Review status: criteria provided, multiple submitters, no conflicts (2 of 4 stars). 4 submissions from 4 submitters: Uncertain significance (4). Last evaluated 2026-06-30.

Conditions:
TTN-related disorder. Also called: TTN-related disorders; TTN-related condition; TTN-related disease.

Allele frequency attached by ClinVar (database versions not stated): TOPMed 0.00002; gnomAD 0.00003; ExAC 0.00002.
gnomAD v4.1: 21 of 1,608,772 alleles (0.0013%); highest among the groups gnomAD compares: Non-Finnish European, 0.0014%; no homozygotes.

Submissions (4):

PreventionGenetics, part of Exact Sciences
Classification: Uncertain significance for TTN-related condition. Last evaluated: 2026-06-30. Review status: criteria provided, single submitter. Criteria: ACMG Guidelines, 2015. Collection method: clinical testing. Allele origin: germline.
Comment: The TTN c.43639G>A variant is predicted to result in the amino acid substitution p.Glu14547Lys. To our knowledge, this variant has not been reported in the literature. This variant is reported in 0.0016% of alleles in individuals of European (Non-Finnish) descent in gnomAD. At this time, the clinical significance of this variant is uncertain due to the absence of conclusive functional and genetic evidence.

GeneDx
Classification: Uncertain significance. Last evaluated: 2026-04-14. Review status: criteria provided, single submitter. Criteria: GeneDx Variant Classification Process June 2021. Collection method: clinical testing. Allele origin: germline.
Comment: Not observed at significant frequency in large population cohorts (gnomAD); Missense variant in a gene in which most reported pathogenic variants are truncating/loss of function; Has not been previously published as pathogenic or benign to our knowledge

Revvity Omics, Revvity
Classification: Uncertain significance. Last evaluated: 2023-09-26. Review status: criteria provided, single submitter. Criteria: ACMG Guidelines, 2015. Collection method: clinical testing. Allele origin: germline.

Eurofins Ntd Llc (ga)
Classification: Uncertain significance. Last evaluated: 2017-10-27. Review status: criteria provided, single submitter. Criteria: EGL Classification Definitions 2015. Collection method: clinical testing. Allele origin: germline. Observed: 1 variant allele, 1 heterozygote.

NM_001267550.2(TTN):c.43639G>A (p.Glu14547Lys)

Gene: TTN (titin; minus strand). Cytogenetic location: 2q31.2.
Variant type: single nucleotide variant.
Coding change: c.43639G>A on transcript NM_001267550.2 (MANE Select); coding-DNA position 43639, G replaced by A.
Protein change: p.Glu14547Lys; replaces glutamic acid 14547 with lysine.
Molecular consequence: missense variant.
Genome position (GRCh38, 1-based): chr2:178,632,255, C>T on the plus strand (G>A on the coding strand, the complement: TTN is on the minus strand). VCF-style: chr2-178632255-C-T. GRCh37 (hg19) VCF-style: chr2-179496982-C-T.
Other names: c.38716G>A, p.Glu12906Lys (NM_001256850.1); c.16444G>A, p.Glu5482Lys (NM_003319.4); c.35935G>A, p.Glu11979Lys (NM_133378.4); c.16819G>A, p.Glu5607Lys (NM_133432.3); c.17020G>A, p.Glu5674Lys (NM_133437.4); c.43639G>A (NM_001267550.1); short protein forms E14547K, E11979K, E5482K, E12906K, E5607K, E5674K.
Identifiers: ClinVar variation 594705 (VCV000594705.8), dbSNP rs761539202, ClinGen allele CA1995826.